The following is an entry in ClinVar:

NM_002161.6(IARS1):c.1479A>G (p.Ala493=)

Gene: IARS1 (isoleucyl-tRNA synthetase 1; minus strand). Cytogenetic location: 9q22.31.
Variant type: single nucleotide variant.
Coding change: c.1479A>G on transcript NM_002161.6 (MANE Select); coding-DNA position 1479, A replaced by G.
Protein change: p.Ala493=; no amino-acid change (alanine 493 retained).
Molecular consequence: synonymous variant. On other transcripts: non-coding transcript variant (1).
Genome position (GRCh38, 1-based): chr9:92,265,506, T>C on the plus strand (A>G on the coding strand, the complement: IARS1 is on the minus strand). VCF-style: chr9-92265506-T-C. GRCh37 (hg19) VCF-style: chr9-95027788-T-C.
Other names: c.1479A>G, p.Ala493= (NM_001374299.1, NM_001374300.1, NM_001374301.1 and 1 more transcripts).
Identifiers: ClinVar variation 739899 (VCV000739899.40), dbSNP rs181041773, ClinGen allele CA5122604.
Genomic context (GRCh38, chr9:92,265,506, plus strand): 5'-AAAACTGAAGTGAATCGAACATTTAGAAACTGACCTCTCTCTGTGGAGATCTGAGATCTT[T>C]GCTCCTGACAGTTCTTCAAGTTCCGCCACTGACCCAATGCATACCACCTGTCAAAAACAA-3'
Protein context (NP_002152.2, residues 483-503): SVAELEELSG[Ala493=]KISDLHRESV

ClinVar aggregate classification (germline): Likely benign. Review status: criteria provided, multiple submitters, no conflicts (2 of 4 stars). 3 submissions from 3 submitters: Likely benign (3). Last evaluated 2026-01-14.

Allele frequency attached by ClinVar (database versions not stated): 1000 Genomes Project 30x 0.00016; 1000 Genomes Project 0.00020; TOPMed 0.00021; ESP Exome Variant Server 0.00023; gnomAD exomes 0.00025 and 0.00039; ExAC 0.00040; gnomAD 0.00058 and 0.00059.
gnomAD v4.1: 452 of 1,613,882 alleles (0.028%); highest among the groups gnomAD compares: Non-Finnish European, 0.026%; no homozygotes.

Submissions (3):

Labcorp Genetics (formerly Invitae), Labcorp
Classification: Likely benign. Last evaluated: 2026-01-14. Review status: criteria provided, single submitter. Criteria: Invitae Variant Classification Sherloc (09022015). Collection method: clinical testing. Allele origin: germline.

CeGaT Center for Human Genetics Tuebingen
Classification: Likely benign. Last evaluated: 2026-01-01. Review status: criteria provided, single submitter. Criteria: CeGaT Center For Human Genetics Tuebingen Variant Classification Criteria Version 2. Collection method: clinical testing. Allele origin: germline. Affected: yes. Observed: 5 variant alleles.
Comment: IARS1: BP4, BP7

Blueprint Genetics
Classification: Likely benign. Last evaluated: 2024-10-09. Review status: criteria provided, single submitter. Criteria: ACMG Guidelines, 2015. Collection method: clinical testing. Allele origin: germline.